The following is an entry in ClinVar:

NM_001148.6(ANK2):c.1234A>C (p.Lys412Gln)

Gene: ANK2 (ankyrin 2; plus strand). Cytogenetic location: 4q26.
Variant type: single nucleotide variant.
Coding change: c.1234A>C on transcript NM_001148.6 (MANE Select); coding-DNA position 1234, A replaced by C.
Protein change: p.Lys412Gln; replaces lysine 412 with glutamine.
Molecular consequence: missense variant. On other transcripts: intron variant (5).
Genome position (GRCh38, 1-based): chr4:113,258,095, A>C. VCF-style: chr4-113258095-A-C. GRCh37 (hg19) VCF-style: chr4-114179251-A-C.
Other names: c.1171A>C, p.Lys391Gln (NM_001127493.3, NM_001354253.2, NM_001354254.2 and 14 more transcripts); c.1234A>C, p.Lys412Gln (NM_001354225.2, NM_001354228.2, NM_001354232.2 and 8 more transcripts); c.1279A>C, p.Lys427Gln (NM_001354230.2, NM_001354231.2, NM_001354237.2 and 5 more transcripts); c.1147A>C, p.Lys383Gln (NM_001354260.2, NM_001354276.2, NM_001386142.1 and 13 more transcripts); c.1192A>C, p.Lys398Gln (NM_001354261.2, NM_001386147.1, NM_001386160.1); c.1222A>C, p.Lys408Gln (NM_001386148.2, NM_001386186.2); c.1198A>C, p.Lys400Gln (NM_001386187.2); c.1176+2163A>C (NM_001354269.3); and 4 more; short protein forms K383Q, K391Q, K398Q, K400Q, K408Q, K412Q, K421Q, K427Q.
Identifiers: ClinVar variation 4539872 (VCV004539872.1).
Genomic context (GRCh38, chr4:113,258,095, plus strand): 5'-TTGTCTTTTGCACAGAATGGTTTTACTCCACTGCACATTGCCTGCAAGAAAAACCGCATC[A>C]AAGTCATGGAACTGCTGGTGAAATATGGGGCTTCAATCCAAGCTATAACAGAGGTAGAAA-3'
Protein context (NP_001139.3, residues 402-422): LHIACKKNRI[Lys412Gln]VMELLVKYGA

ClinVar aggregate classification (germline): Uncertain significance (1 of 4 stars; one submission).

Submission:

GeneDx
Classification: Uncertain significance. Last evaluated: 2025-06-25. Review status: criteria provided, single submitter. Criteria: GeneDx Variant Classification Process June 2021. Collection method: clinical testing. Allele origin: germline. Affected: yes.
Comment: Not observed at significant frequency in large population cohorts (gnomAD); In silico analysis supports that this missense variant has a deleterious effect on protein structure/function; Has not been previously published as pathogenic or benign to our knowledge